The following is an entry in ClinVar:

ClinVar aggregate classification (germline): Uncertain significance. Review status: criteria provided, multiple submitters, no conflicts (2 of 4 stars). 3 submissions from 3 submitters: Uncertain significance (3). Last evaluated 2026-07-01.

Conditions:
Early-onset Parkinson disease 20. Also called: PARKINSON DISEASE 20, AUTOSOMAL RECESSIVE EARLY-ONSET. Identifiers: Orphanet 391411, MedGen C3809824, MONDO:0014233, OMIM 615530.
Developmental and epileptic encephalopathy, 53. Also called: Epileptic encephalopathy, early infantile, 53. Identifiers: MedGen C4479313, MONDO:0033362, OMIM 617389.

Allele frequency attached by ClinVar (database versions not stated): ExAC 0.00001; gnomAD exomes 0.00001; gnomAD 0.00002 and 0.00003; TOPMed 0.00004; ESP Exome Variant Server 0.00008.
gnomAD v4.1: 25 of 1,613,962 alleles (0.0015%); highest among the groups gnomAD compares: African/African-American, 0.0067%; no homozygotes.

Submissions (3):

CeGaT Center for Human Genetics Tuebingen
Classification: Uncertain significance. Last evaluated: 2026-07-01. Review status: criteria provided, single submitter. Criteria: CeGaT Center For Human Genetics Tuebingen Variant Classification Criteria Version 2. Collection method: clinical testing. Allele origin: germline. Affected: yes. Observed: 2 variant alleles.
Comment: SYNJ1: PM2

GeneDx
Classification: Uncertain significance. Last evaluated: 2026-06-10. Review status: criteria provided, single submitter. Criteria: GeneDx Variant Classification Process June 2021. Collection method: clinical testing. Allele origin: germline.
Comment: Not observed at significant frequency in large population cohorts (gnomAD); In silico analysis suggests that this missense variant does not alter protein structure/function; Has not been previously published as pathogenic or benign to our knowledge

Labcorp Genetics (formerly Invitae), Labcorp
Classification: Uncertain significance for Developmental and epileptic encephalopathy, 53; Early-onset Parkinson disease 20. Last evaluated: 2022-03-19. Review status: criteria provided, single submitter. Criteria: Invitae Variant Classification Sherloc (09022015). Collection method: clinical testing. Allele origin: germline.
Comment: This sequence change replaces arginine, which is basic and polar, with glutamine, which is neutral and polar, at codon 1109 of the SYNJ1 protein (p.Arg1109Gln). This variant is present in population databases (rs141107054, gnomAD 0.008%). This variant has not been reported in the literature in individuals affected with SYNJ1-related conditions. ClinVar contains an entry for this variant (Variation ID: 544549). Algorithms developed to predict the effect of missense changes on protein structure and function are either unavailable or do not agree on the potential impact of this missense change (SIFT: "Tolerated"; PolyPhen-2: "Probably Damaging"; Align-GVGD: "Class C0"). In summary, the available evidence is currently insufficient to determine the role of this variant in disease. Therefore, it has been classified as a Variant of Uncertain Significance.

NM_203446.3(SYNJ1):c.3209G>A (p.Arg1070Gln)

Gene: SYNJ1 (synaptojanin 1; minus strand). Cytogenetic location: 21q22.11.
Variant type: single nucleotide variant.
Coding change: c.3209G>A on transcript NM_203446.3 (MANE Select); coding-DNA position 3209, G replaced by A.
Protein change: p.Arg1070Gln; replaces arginine 1070 with glutamine.
Molecular consequence: missense variant.
Genome position (GRCh38, 1-based): chr21:32,646,431, C>T on the plus strand (G>A on the coding strand, the complement: SYNJ1 is on the minus strand). VCF-style: chr21-32646431-C-T. GRCh37 (hg19) VCF-style: chr21-34018741-C-T.
Other names: c.3209G>A, p.Arg1070Gln (NM_001160302.2); c.3194G>A, p.Arg1065Gln (NM_001160306.2); c.3326G>A, p.Arg1109Gln (NM_003895.4); short protein forms R1109Q, R1070Q, R1065Q.
Identifiers: ClinVar variation 544549 (VCV000544549.14), dbSNP rs141107054, ClinGen allele CA10003485.